The following is an entry in ClinVar:

NM_003072.5(SMARCA4):c.4911+6G>T

Gene: SMARCA4 (SWI/SNF related BAF chromatin remodeling complex subunit ATPase 4; plus strand). Cytogenetic location: 19p13.2.
Variant type: single nucleotide variant.
Coding change: c.4911+6G>T on transcript NM_003072.5 (MANE Select); 6 bases into the intron after coding-DNA position 4911, G replaced by T.
Molecular consequence: intron variant.
Genome position (GRCh38, 1-based): chr19:11,060,193, G>T. VCF-style: chr19-11060193-G-T. GRCh37 (hg19) VCF-style: chr19-11170869-G-T.
Other names: c.5007+6G>T (NM_001128849.3, NM_001387283.1); c.4812+6G>T (NM_001128847.4, NM_001374457.1); c.4821+6G>T (NM_001128845.2); c.4818+6G>T (NM_001128846.2); c.4809+6G>T (NM_001128848.2); c.4911+6G>T (NM_001128844.3).
Identifiers: ClinVar variation 238501 (VCV000238501.7), dbSNP rs878854235, ClinGen allele CA10583768.

ClinVar aggregate classification (germline): Conflicting classifications of pathogenicity. Review status: criteria provided, conflicting classifications (1 of 4 stars). 2 submissions from 2 submitters: Uncertain significance (1); Likely benign (1). Last evaluated 2026-07-08.

Conditions:
Rhabdoid tumor predisposition syndrome 2 (RTPS2). Identifiers: Orphanet 231108, Orphanet 69077, MedGen C2750074, MONDO:0013224, OMIM 613325.

Submissions (2):

Myriad Genetics, Inc.
Classification: Likely benign for Rhabdoid tumor predisposition syndrome 2. Last evaluated: 2026-07-08. Review status: criteria provided, single submitter. Criteria: Myriad Autosomal Dominant, Autosomal Recessive and X-Linked Classification Criteria (2023). Collection method: clinical testing. Allele origin: unknown.
Comment: This variant is considered likely benign. This variant is intronic and is not expected to impact mRNA splicing.

Labcorp Genetics (formerly Invitae), Labcorp
Classification: Uncertain significance for Rhabdoid tumor predisposition syndrome 2. Last evaluated: 2021-09-01. Review status: criteria provided, single submitter. Criteria: Invitae Variant Classification Sherloc (09022015). Collection method: clinical testing. Allele origin: germline.
Comment: This sequence change falls in intron 35 of the SMARCA4 gene. It does not directly change the encoded amino acid sequence of the SMARCA4 protein. It affects a nucleotide within the consensus splice site of the intron. This variant is not present in population databases (ExAC no frequency). This variant has not been reported in the literature in individuals affected with SMARCA4-related conditions. ClinVar contains an entry for this variant (Variation ID: 238501). Variants that disrupt the consensus splice site are a relatively common cause of aberrant splicing (PMID: 17576681, 9536098). Algorithms developed to predict the effect of sequence changes on RNA splicing suggest that this variant is not likely to affect RNA splicing. In summary, the available evidence is currently insufficient to determine the role of this variant in disease. Therefore, it has been classified as a Variant of Uncertain Significance.

Literature cited by the submitters: PubMed 17576681 (cited by Labcorp Genetics (formerly Invitae), Labcorp); PubMed 9536098 (cited by Labcorp Genetics (formerly Invitae), Labcorp).